The following is an entry in ClinVar:

ClinVar aggregate classification (germline): Pathogenic (1 of 4 stars; one submission).

Submission:

Labcorp Genetics (formerly Invitae), Labcorp
Classification: Pathogenic. Last evaluated: 2023-10-26. Review status: criteria provided, single submitter. Criteria: Invitae Variant Classification Sherloc (09022015). Collection method: clinical testing. Allele origin: unknown.
Comment: This variant results in the deletion of part of exon 10, exons 11-15 and part of exon 16 (c.971_1752del) of the SKIV2L gene. This deletion is out-of-frame, and is expected to create a premature termination codon and result in an absent or disrupted protein product. Loss-of-function variants in SKIV2L are known to be pathogenic (PMID: 22444670). This variant has not been reported in the literature in individuals affected with SKIV2L-related conditions. For these reasons, this variant has been classified as Pathogenic.

Literature cited by the submitters: PubMed 22444670.

NC_000006.11:g.(?_31929738)_(31931794_?)del

Gene: SKIC2 (SKI2 subunit of superkiller complex; plus strand). Cytogenetic location: 6p21.33.
Variant type: Deletion.
Identifiers: ClinVar variation 3246213 (VCV003246213.1).